The following is an entry in ClinVar:

NM_004463.3(FGD1):c.2275-6C>A

Gene: FGD1 (FYVE, RhoGEF and PH domain containing 1; minus strand). Cytogenetic location: Xp11.22.
Variant type: single nucleotide variant.
Coding change: c.2275-6C>A on transcript NM_004463.3 (MANE Select); 6 bases into the intron before coding-DNA position 2275, C replaced by A.
Molecular consequence: intron variant.
Genome position (GRCh38, 1-based): chrX:54,448,973, G>T on the plus strand (C>A on the coding strand, the complement: FGD1 is on the minus strand). VCF-style: chrX-54448973-G-T. GRCh37 (hg19) VCF-style: chrX-54475406-G-T.
Other names: c.2275-6C>A (NM_004463.2).
Identifiers: ClinVar variation 2167838 (VCV002167838.6), dbSNP rs376026003, ClinGen allele CA10424964.

ClinVar aggregate classification (germline): Benign. Review status: criteria provided, single submitter (1 of 4 stars). 2 submissions from 2 submitters: Benign (1). 1 of the submissions does not count toward it. Last evaluated 2025-06-27.

Conditions:
FGD1-related disorder. Also called: FGD1-related disorders; FGD1-related condition.

Allele frequency attached by ClinVar (database versions not stated): gnomAD exomes 0.00003; ExAC 0.00007; gnomAD 0.00025; TOPMed 0.00028; ESP Exome Variant Server 0.00038.
gnomAD v4.1: 65 of 1,207,520 alleles (0.0054%); highest among the groups gnomAD compares: African/African-American, 0.087%; no homozygotes.

Submissions (2):

Labcorp Genetics (formerly Invitae), Labcorp
Classification: Benign. Last evaluated: 2025-06-27. Review status: criteria provided, single submitter. Criteria: Invitae Variant Classification Sherloc (09022015). Collection method: clinical testing. Allele origin: germline.

PreventionGenetics, part of Exact Sciences
Classification: Likely benign for FGD1-related condition. Last evaluated: 2022-01-28. Review status: no assertion criteria provided. Collection method: clinical testing. Allele origin: germline. Not counted in ClinVar's aggregate classification.
Comment: This variant is classified as likely benign based on ACMG/AMP sequence variant interpretation guidelines (Richards et al. 2015 PMID: 25741868, with internal and published modifications).